The following is an entry in ClinVar:

NM_001282531.3(ADNP):c.3192G>T (p.Trp1064Cys)

Gene: ADNP (activity dependent neuroprotector homeobox; minus strand). Cytogenetic location: 20q13.13.
Variant type: single nucleotide variant.
Coding change: c.3192G>T on transcript NM_001282531.3 (MANE Select); coding-DNA position 3192, G replaced by T.
Protein change: p.Trp1064Cys; replaces tryptophan 1064 with cysteine.
Molecular consequence: missense variant.
Genome position (GRCh38, 1-based): chr20:50,891,522, C>A on the plus strand (G>T on the coding strand, the complement: ADNP is on the minus strand). VCF-style: chr20-50891522-C-A. GRCh37 (hg19) VCF-style: chr20-49508059-C-A.
Other names: c.3192G>T, p.Trp1064Cys (NM_001282532.2, NM_001347511.2, NM_015339.5 and 1 more transcripts); short protein forms W1064C.
Identifiers: ClinVar variation 3033020 (VCV003033020.2), dbSNP rs2515572195, ClinGen allele CA408966883.
Genomic context (GRCh38, chr20:50,891,522, plus strand): 5'-TACTCCATCAGTCATGTTGTCAAACTGTTCCCCATCCTCACTGTCAATTGTGCTATTCTG[C>A]CACTCAATCTGGGGGTTAGATAAGCGCTCATCATTCTCAGATGCATTCTTCCACTGTGAC-3'
Protein context (NP_001269460.1, residues 1054-1074): DERLSNPQIE[Trp1064Cys]QNSTIDSEDG

ClinVar aggregate classification (germline): Uncertain significance (0 of 4 stars; one submission).

Conditions:
ADNP-related disorder. Also called: ADNP-related condition.

Submission:

PreventionGenetics, part of Exact Sciences
Classification: Uncertain significance for ADNP-related condition. Last evaluated: 2024-06-14. Review status: no assertion criteria provided. Collection method: clinical testing. Allele origin: germline.
Comment: The ADNP c.3192G>T variant is predicted to result in the amino acid substitution p.Trp1064Cys. To our knowledge, this variant has not been reported in the literature or in a large population database, indicating this variant is rare. At this time, the clinical significance of this variant is uncertain due to the absence of conclusive functional and genetic evidence.